The following is an entry in ClinVar:

ClinVar aggregate classification (germline): Uncertain significance (1 of 4 stars; one submission).

gnomAD v4.1: 1 of 1,613,504 alleles (0.000062%); highest among the groups gnomAD compares: Non-Finnish European, 0.000085%; no homozygotes.

Submission:

Labcorp Genetics (formerly Invitae), Labcorp
Classification: Uncertain significance. Last evaluated: 2022-08-16. Review status: criteria provided, single submitter. Criteria: Invitae Variant Classification Sherloc (09022015). Collection method: clinical testing. Allele origin: germline.
Comment: In summary, the available evidence is currently insufficient to determine the role of this variant in disease. Therefore, it has been classified as a Variant of Uncertain Significance. Algorithms developed to predict the effect of missense changes on protein structure and function are either unavailable or do not agree on the potential impact of this missense change (SIFT: "Deleterious"; PolyPhen-2: "Probably Damaging"; Align-GVGD: "Class C0"). This variant has not been reported in the literature in individuals affected with BICC1-related conditions. This variant is not present in population databases (gnomAD no frequency). This sequence change replaces aspartic acid, which is acidic and polar, with histidine, which is basic and polar, at codon 877 of the BICC1 protein (p.Asp877His).

NM_001080512.3(BICC1):c.2629G>C (p.Asp877His)

Gene: BICC1 (BicC family RNA binding protein 1; plus strand). Cytogenetic location: 10q21.1.
Variant type: single nucleotide variant.
Coding change: c.2629G>C on transcript NM_001080512.3 (MANE Select); coding-DNA position 2629, G replaced by C.
Protein change: p.Asp877His; replaces aspartic acid 877 with histidine.
Molecular consequence: missense variant.
Genome position (GRCh38, 1-based): chr10:58,817,657, G>C. VCF-style: chr10-58817657-G-C. GRCh37 (hg19) VCF-style: chr10-60577417-G-C.
Other names: short protein forms D877H.
Identifiers: ClinVar variation 2024303 (VCV002024303.4), dbSNP rs2492223981, ClinGen allele CA376982739.